The following is an entry in ClinVar:

ClinVar aggregate classification (germline): Conflicting classifications of pathogenicity. Review status: criteria provided, conflicting classifications (1 of 4 stars). 4 submissions from 4 submitters: Uncertain significance (2); Likely benign (1). 1 of the submissions does not count toward it. Last evaluated 2026-02-04.

Conditions:
Autosomal recessive congenital ichthyosis 1 (LI1). Also called: ICHTHYOSIS, CONGENITAL, AUTOSOMAL RECESSIVE 1, WITH BATHING SUIT DISTRIBUTION; ICHTHYOSIS, CONGENITAL, AUTOSOMAL RECESSIVE 1, WITH OR WITHOUT BATHING SUIT DISTRIBUTION; ICHTHYOSIS CONGENITA; ICHTHYOSIS CONGENITA II; LAMELLAR EXFOLIATION OF NEWBORN; COLLODION FETUS. Identifiers: MedGen C4551630, MONDO:0009441, OMIM 242300.

Allele frequency attached by ClinVar (database versions not stated): ESP Exome Variant Server 0.00008; gnomAD 0.00011 and 0.00012; TOPMed 0.00014; gnomAD exomes 0.00021 and 0.00037; ExAC 0.00049; 1000 Genomes Project 30x 0.00062; 1000 Genomes Project 0.00100.

Submissions (4):

Labcorp Genetics (formerly Invitae), Labcorp
Classification: Likely benign. Last evaluated: 2026-02-04. Review status: criteria provided, single submitter. Criteria: Invitae Variant Classification Sherloc (09022015). Collection method: clinical testing. Allele origin: germline.

GeneDx
Classification: Uncertain significance. Last evaluated: 2021-09-24. Review status: criteria provided, single submitter. Criteria: GeneDx Variant Classification Process June 2021. Collection method: clinical testing. Allele origin: germline. Affected: yes.
Comment: Has not been previously published as pathogenic or benign to our knowledge; In silico analysis supports that this missense variant does not alter protein structure/function

Illumina Laboratory Services, Illumina
Classification: Uncertain significance for Autosomal recessive congenital ichthyosis 1. Last evaluated: 2018-01-13. Review status: criteria provided, single submitter. Criteria: ICSL Variant Classification Criteria 13 December 2019. Collection method: clinical testing. Allele origin: germline.

Natera, Inc.
Classification: Uncertain significance for Autosomal recessive congenital ichthyosis type 1. Last evaluated: 2020-04-17. Review status: no assertion criteria provided. Collection method: clinical testing. Allele origin: germline. Not counted in ClinVar's aggregate classification.

NM_000359.3(TGM1):c.923G>A (p.Arg308Gln)

Gene: TGM1 (transglutaminase 1; minus strand). Cytogenetic location: 14q12.
Variant type: single nucleotide variant.
Coding change: c.923G>A on transcript NM_000359.3 (MANE Select); coding-DNA position 923, G replaced by A.
Protein change: p.Arg308Gln; replaces arginine 308 with glutamine.
Molecular consequence: missense variant.
Genome position (GRCh38, 1-based): chr14:24,259,765, C>T on the plus strand (G>A on the coding strand, the complement: TGM1 is on the minus strand). VCF-style: chr14-24259765-C-T. GRCh37 (hg19) VCF-style: chr14-24728971-C-T.
Other names: short protein forms R308Q.
Identifiers: ClinVar variation 737333 (VCV000737333.18), dbSNP rs201328637, ClinGen allele CA7131233.